The following is an entry in ClinVar:

NM_144666.3(DNHD1):c.11234T>G (p.Leu3745Arg)

Gene: DNHD1 (dynein heavy chain domain 1; plus strand). Cytogenetic location: 11p15.4.
Variant type: single nucleotide variant.
Coding change: c.11234T>G on transcript NM_144666.3 (MANE Select); coding-DNA position 11234, T replaced by G.
Protein change: p.Leu3745Arg; replaces leucine 3745 with arginine.
Molecular consequence: missense variant.
Genome position (GRCh38, 1-based): chr11:6,566,614, T>G. VCF-style: chr11-6566614-T-G. GRCh37 (hg19) VCF-style: chr11-6587844-T-G.
Other names: short protein forms L3745R.
Identifiers: ClinVar variation 5007905 (VCV005007905.2).

ClinVar aggregate classification (germline): Uncertain significance (1 of 4 stars; one submission).

Conditions:
Spermatogenic failure 65 (SPGF65). Identifiers: MedGen C5562067, MONDO:0030531, OMIM 619712.

gnomAD v4.1: 218 of 1,613,814 alleles (0.014%); highest among the groups gnomAD compares: East Asian, 0.28%; no homozygotes.

Submission:

Juno Genomics, Hangzhou Juno Genomics, Inc
Classification: Uncertain significance for Spermatogenic failure 65. Review status: criteria provided, single submitter. Criteria: ACMG Guidelines, 2015. Collection method: clinical testing. Allele origin: germline.
Comment: Missense variant in a gene that has a low rate of benign missense variation.